The following is an entry in ClinVar:

NM_005359.6(SMAD4):c.340T>A (p.Tyr114Asn)

Gene: SMAD4 (SMAD family member 4; plus strand). Cytogenetic location: 18q21.2.
Variant type: single nucleotide variant.
Coding change: c.340T>A on transcript NM_005359.6 (MANE Select); coding-DNA position 340, T replaced by A.
Protein change: p.Tyr114Asn; replaces tyrosine 114 with asparagine.
Molecular consequence: missense variant.
Genome position (GRCh38, 1-based): chr18:51,048,776, T>A. VCF-style: chr18-51048776-T-A. GRCh37 (hg19) VCF-style: chr18-48575146-T-A.
Other names: short protein forms Y114N.
Identifiers: ClinVar variation 529951 (VCV000529951.10), dbSNP rs1555685170, ClinGen allele CA402458420.

ClinVar aggregate classification (germline): Uncertain significance (1 of 4 stars; one submission).

Conditions:
Juvenile polyposis syndrome (JPS). Identifiers: Orphanet 2929, MedGen C0345893, MONDO:0017380, OMIM 174900.

Submission:

Labcorp Genetics (formerly Invitae), Labcorp
Classification: Uncertain significance for Juvenile polyposis syndrome. Last evaluated: 2017-09-27. Review status: criteria provided, single submitter. Criteria: Invitae Variant Classification Sherloc (09022015). Collection method: clinical testing. Allele origin: germline.
Comment: This variant is not present in population databases (ExAC no frequency). This variant has not been reported in the literature in individuals with SMAD4-related disease. Algorithms developed to predict the effect of missense changes on protein structure and function do not agree on the potential impact of this missense change (SIFT: "Deleterious"; PolyPhen-2: "Possibly Damaging"; Align-GVGD: "Class C15"). In summary, the available evidence is currently insufficient to determine the role of this variant in disease. Therefore, it has been classified as a Variant of Uncertain Significance. This sequence change replaces tyrosine with asparagine at codon 114 of the SMAD4 protein (p.Tyr114Asn). The tyrosine residue is highly conserved and there is a large physicochemical difference between tyrosine and asparagine.